The following is an entry in ClinVar:

ClinVar aggregate classification (germline): Likely benign. Review status: criteria provided, single submitter (1 of 4 stars). 2 submissions from 2 submitters: Likely benign (1). 1 of the submissions does not count toward it. Last evaluated 2024-01-04.

Conditions:
SUN1-related disorder. Also called: SUN1-related condition.
Emery-Dreifuss muscular dystrophy (EDMD). Also called: Scapuloperoneal syndrome, X-linked (formerly); Humeroperoneal neuromuscular disease, (formerly). Identifiers: Orphanet 261, MedGen C0410189, MONDO:0016830.

Allele frequency attached by ClinVar (database versions not stated): gnomAD 0.00001; ExAC 0.00002; gnomAD exomes 0.00003 and 0.00006; TOPMed 0.00005; ESP Exome Variant Server 0.00008.
gnomAD v4.1: 82 of 1,613,878 alleles (0.0051%); highest among the groups gnomAD compares: Non-Finnish European, 0.0065%; no homozygotes.

Submissions (2):

Labcorp Genetics (formerly Invitae), Labcorp
Classification: Likely benign for Emery-Dreifuss muscular dystrophy. Last evaluated: 2024-01-04. Review status: criteria provided, single submitter. Criteria: Invitae Variant Classification Sherloc (09022015). Collection method: clinical testing. Allele origin: germline.

PreventionGenetics, part of Exact Sciences
Classification: Likely benign for SUN1-related condition. Last evaluated: 2019-08-09. Review status: no assertion criteria provided. Collection method: clinical testing. Allele origin: germline. Not counted in ClinVar's aggregate classification.
Comment: This variant is classified as likely benign based on ACMG/AMP sequence variant interpretation guidelines (Richards et al. 2015 PMID: 25741868, with internal and published modifications).

NM_001130965.3(SUN1):c.435A>G (p.Thr145=)

Gene: SUN1 (Sad1 and UNC84 domain containing 1; plus strand). Cytogenetic location: 7p22.3.
Variant type: single nucleotide variant.
Coding change: c.435A>G on transcript NM_001130965.3 (MANE Select); coding-DNA position 435, A replaced by G.
Protein change: p.Thr145=; no amino-acid change (threonine 145 retained).
Molecular consequence: synonymous variant. On other transcripts: 5 prime UTR variant (4), non-coding transcript variant (3).
Genome position (GRCh38, 1-based): chr7:842,114, A>G. VCF-style: chr7-842114-A-G. GRCh37 (hg19) VCF-style: chr7-881751-A-G.
Other names: c.435A>G, p.Thr145= (NM_001367674.1, NM_001367675.1, NM_001367676.1 and 34 more transcripts); c.285A>G, p.Thr95= (NM_001367679.1, NM_001367680.1, NM_001367681.1 and 24 more transcripts); c.498A>G, p.Thr166= (NM_001171945.2); c.-23A>G (NM_001367635.1); c.-133A>G (NM_001367639.1, NM_001367708.1); c.654A>G, p.Thr218= (NM_001367651.1); c.-327A>G (NM_001367658.1); c.246A>G, p.Thr82= (NM_001367695.1); and 1 more.
Identifiers: ClinVar variation 1119684 (VCV001119684.11), dbSNP rs372424923, ClinGen allele CA4111501.